The following is an entry in ClinVar:

ClinVar aggregate classification (germline): Uncertain significance (1 of 4 stars; one submission).

Conditions:
INS-related disorder. Also called: INS-related condition.

Allele frequency attached by ClinVar (database versions not stated): gnomAD 0.00003; TOPMed 0.00008.

Submission:

PreventionGenetics, part of Exact Sciences
Classification: Uncertain significance for INS-related condition. Last evaluated: 2023-04-07. Review status: criteria provided, single submitter. Criteria: ACMG Guidelines, 2015. Collection method: clinical testing. Allele origin: germline.
Comment: The INS c.188-43C>T variant is predicted to interfere with splicing. To our knowledge, this variant has not been reported in the literature. This variant is reported in 0.0086% of alleles in individuals of South Asian descent in gnomAD. A nearby variant c.188-37T>A has been reported in an individual with MODY (EMS table 4, Patel et al. 2022. PubMed ID: 34686905). At this time, the clinical significance of this variant is uncertain due to the absence of conclusive functional and genetic evidence.

NM_000207.3(INS):c.188-43C>T

Genes: INS (insulin; minus strand), INS-IGF2 (INS-IGF2 readthrough; minus strand). Cytogenetic location: 11p15.5.
Variant type: single nucleotide variant.
Coding change: c.188-43C>T on transcript NM_000207.3 (MANE Select); 43 bases into the intron before coding-DNA position 188, C replaced by T.
Molecular consequence: intron variant.
Genome position (GRCh38, 1-based): chr11:2,160,040, G>A on the plus strand (C>T on the coding strand, the complement: INS is on the minus strand). VCF-style: chr11-2160040-G-A. GRCh37 (hg19) VCF-style: chr11-2181270-G-A.
Other names: c.187+745C>T (NM_001042376.3); c.188-43C>T (NM_001185097.2, NM_001291897.2, NM_001185098.2).
Identifiers: ClinVar variation 2630683 (VCV002630683.1), dbSNP rs1042524703, ClinGen allele CA216275448.